The following is an entry in ClinVar:

NM_017780.4(CHD7):c.6405A>T (p.Arg2135Ser)

Gene: CHD7 (chromodomain helicase DNA binding protein 7; plus strand). Cytogenetic location: 8q12.2.
Variant type: single nucleotide variant.
Coding change: c.6405A>T on transcript NM_017780.4 (MANE Select); coding-DNA position 6405, A replaced by T.
Protein change: p.Arg2135Ser; replaces arginine 2135 with serine.
Molecular consequence: missense variant. On other transcripts: intron variant (1).
Genome position (GRCh38, 1-based): chr8:60,853,130, A>T. VCF-style: chr8-60853130-A-T. GRCh37 (hg19) VCF-style: chr8-61765689-A-T.
Other names: c.1717-9099A>T (NM_001316690.1); short protein forms R2135S.
Identifiers: ClinVar variation 3668823 (VCV003668823.2).

ClinVar aggregate classification (germline): Uncertain significance (1 of 4 stars; one submission).

Conditions:
CHARGE syndrome (CHARGE). Also called: Hittner Hirsch Kreh syndrome; CHARGE ASSOCIATION--COLOBOMA, HEART ANOMALY, CHOANAL ATRESIA, RETARDATION, GENITAL AND EAR ANOMALIES; Coloboma, heart anomaly, choanal atresia, retardation, genital and ear anomalies; CHARGE association; Hall-Hittner syndrome. Identifiers: Orphanet 138, MedGen C0265354, MONDO:0008965.

Submission:

Labcorp Genetics (formerly Invitae), Labcorp
Classification: Uncertain significance for CHARGE syndrome. Last evaluated: 2024-04-17. Review status: criteria provided, single submitter. Criteria: Invitae Variant Classification Sherloc (09022015). Collection method: clinical testing. Allele origin: germline.
Comment: This sequence change replaces arginine, which is basic and polar, with serine, which is neutral and polar, at codon 2135 of the CHD7 protein (p.Arg2135Ser). This variant is not present in population databases (gnomAD no frequency). This variant has not been reported in the literature in individuals affected with CHD7-related conditions. Advanced modeling of protein sequence and biophysical properties (such as structural, functional, and spatial information, amino acid conservation, physicochemical variation, residue mobility, and thermodynamic stability) performed at Invitae indicates that this missense variant is not expected to disrupt CHD7 protein function with a negative predictive value of 95%. In summary, the available evidence is currently insufficient to determine the role of this variant in disease. Therefore, it has been classified as a Variant of Uncertain Significance.